The following is an entry in ClinVar:

NM_007294.4(BRCA1):c.135-1G>C

Gene: BRCA1 (BRCA1 DNA repair associated; minus strand). Cytogenetic location: 17q21.31.
Variant type: single nucleotide variant.
Coding change: c.135-1G>C on transcript NM_007294.4 (MANE Select); the canonical splice acceptor site of the intron before coding-DNA position 135, G replaced by C.
Molecular consequence: splice acceptor variant. On other transcripts: intron variant (34).
Genome position (GRCh38, 1-based): chr17:43,106,534, C>G on the plus strand (G>C on the coding strand, the complement: BRCA1 is on the minus strand). VCF-style: chr17-43106534-C-G. GRCh37 (hg19) VCF-style: chr17-41258551-C-G.
Other names: IVS4-1G>C; c.-7-1G>C (NM_001408458.1, NM_001407931.1, NM_001407747.1 and 99 more transcripts); c.-218-11674G>C (NM_001407967.1, NM_001407966.1); c.-169-1578G>C (NM_001407959.1, NM_001407962.1, NM_001408512.1 and 4 more transcripts); c.-54-1G>C (NM_001407885.1, NM_001407886.1, NM_001407898.1 and 58 more transcripts); c.135-1G>C (NM_001407686.1, NM_001408397.1, NM_001407632.1 and 167 more transcripts); c.81-1578G>C (NM_001408451.1); c.135-1578G>C (NM_001408475.1, NM_001407875.1, NM_001407659.1 and 21 more transcripts).
Identifiers: ClinVar variation 54215 (VCV000054215.18), dbSNP rs80358158, ClinGen allele CA000894.

ClinVar aggregate classification (germline): Pathogenic. Review status: criteria provided, multiple submitters, no conflicts (2 of 4 stars). 6 submissions from 6 submitters: Pathogenic (3). 3 of the submissions do not count toward it. Last evaluated 2025-09-03.

Conditions:
Hereditary cancer-predisposing syndrome. Also called: Tumor predisposition; Neoplastic Syndromes, Hereditary; Hereditary Cancer Syndrome; Hereditary neoplastic syndrome. Identifiers: Orphanet 140162, MedGen C0027672, MeSH D009386, MONDO:0015356.
Hereditary breast ovarian cancer syndrome. Also called: Hereditary breast and ovarian cancer syndrome (HBOC); Hereditary breast and ovarian cancer syndrome; Hereditary breast and ovarian cancer; Hereditary breast and/or ovarian cancer syndrome; Breast and ovarian cancer; BRCA1- and BRCA2-Associated Hereditary Breast and Ovarian Cancer. Identifiers: Orphanet 145, MedGen C0677776, MeSH D061325, MONDO:0003582. Disease mechanism: loss of function.
Breast-ovarian cancer, familial, susceptibility to, 1 (BROVCA1). Also called: OVARIAN CANCER, SUSCEPTIBILITY TO; BRCA1 Hereditary Breast and Ovarian Cancer. Identifiers: Orphanet 145, MedGen C2676676, MONDO:0011450, OMIM 604370. Disease mechanism: loss of function.

Submissions (7):

Labcorp Genetics (formerly Invitae), Labcorp
Classification: Pathogenic for Hereditary breast ovarian cancer syndrome. Last evaluated: 2025-09-03. Review status: criteria provided, single submitter. Criteria: Invitae Variant Classification Sherloc (09022015). Collection method: clinical testing. Allele origin: germline.
Comment: This sequence change affects an acceptor splice site in intron 3 of the BRCA1 gene. RNA analysis indicates that disruption of this splice site induces altered splicing and may result in an absent or altered protein product. This variant is not present in population databases (gnomAD no frequency). Disruption of this splice site has been observed in individual(s) with breast, ovarian, or prostate cancer (PMID: 16683254, 18445692, 23239986, 26541979). ClinVar contains an entry for this variant (Variation ID: 54215). Algorithms developed to predict the effect of variants on gene product structure and function are not available or were not evaluated for this variant. Experimental studies have shown that disruption of this splice site affects BRCA1 function (PMID: 30209399). Studies have shown that disruption of this splice site results in skipping of exon 4, and produces a non-functional protein and/or introduces a premature termination codon (PMID: 23239986; internal data). For these reasons, this variant has been classified as Pathogenic.

Ambry Genetics
Classification: Pathogenic for Hereditary cancer-predisposing syndrome. Last evaluated: 2023-09-06. Review status: criteria provided, single submitter. Criteria: Ambry Variant Classification Scheme 2023. Collection method: clinical testing. Allele origin: germline.
Comment: The c.135-1G>C intronic pathogenic mutation results from a G to C substitution one nucleotide upstream from coding exon 3 of the BRCA1 gene. This mutation has been reported in multiple individuals with personal and/or family history of hereditary breast and ovarian cancer (Wappenschmidt B et al. PLoS ONE. 2012 Dec;7(12):e50800; van der Hout AH et al. Hum. Mutat., 2006 Jul;27:654-66; Shattuck-Eidens D et al. JAMA, 1997 Oct;278:1242-50). One functional study found that this nucleotide substitution is non-functional in a high throughput genome editing haploid cell survival assay (Findlay GM et al. Nature. 2018 Oct;562(7726):217-222). In addition to the clinical data presented in the literature, alterations that disrupt the canonical splice site are expected to cause aberrant splicing, resulting in an abnormal protein or a transcript that is subject to nonsense-mediated mRNA decay. In silico splice site analysis predicts that this alteration will weaken the native splice acceptor site. RNA studies have demonstrated that this alteration results in abnormal splicing in the set of samples tested (Ambry internal data). Based on the supporting evidence, this alteration is interpreted as a disease-causing mutation.

Consortium of Investigators of Modifiers of BRCA1/2 (CIMBA), c/o University of Cambridge
Classification: Pathogenic for Breast-ovarian cancer, familial, susceptibility to, 1. Last evaluated: 2015-10-02. Review status: criteria provided, single submitter. Criteria: CIMBA Mutation Classification guidelines May 2016. Collection method: clinical testing. Allele origin: germline.

Breast Cancer Information Core (BIC) (BRCA1)
Classification: Pathogenic for Breast-ovarian cancer, familial 1. Last evaluated: 2010-09-18. Review status: no assertion criteria provided. Collection method: clinical testing. Allele origin: germline. Affected: yes. Observed: 1 variant allele. Not counted in ClinVar's aggregate classification.

Brotman Baty Institute, University of Washington
No classification provided (evidence only). Condition: Breast-ovarian cancer, familial 1. Review status: no classification provided. Collection method: in vitro. Allele origin: not applicable. Functional consequence: functionally_abnormal. Not counted in ClinVar's aggregate classification.
ClinVar note: "not provided" was previously submitted as the classification for the variant. However, the classification appeared to be based only on an observation of functional data so it was converted to no classification on 2025-07-30.

Clinical Genetics DNA and cytogenetics Diagnostics Lab, Erasmus MC, Erasmus Medical Center
Classification: Pathogenic. Review status: no assertion criteria provided. Collection method: clinical testing. Allele origin: germline. Affected: yes. Study: VKGL Data-share Consensus. Not counted in ClinVar's aggregate classification.

Diagnostic Laboratory, Department of Genetics, University Medical Center Groningen
Classification: Pathogenic for Breast-ovarian cancer, familial, susceptibility to, 1. Review status: no assertion criteria provided. Collection method: clinical testing. Allele origin: germline. Affected: yes. Study: VKGL Data-share Consensus. Not counted in ClinVar's aggregate classification.

Literature cited by the submitters: PubMed 16683254 (cited by Labcorp Genetics (formerly Invitae), Labcorp and Ambry Genetics); PubMed 18445692 (cited by Labcorp Genetics (formerly Invitae), Labcorp); PubMed 23239986 (cited by Labcorp Genetics (formerly Invitae), Labcorp and Ambry Genetics); PubMed 26541979 (cited by Labcorp Genetics (formerly Invitae), Labcorp); PubMed 30209399 (cited by Labcorp Genetics (formerly Invitae), Labcorp and Ambry Genetics); PubMed 9333265 (cited by Ambry Genetics).